The following is an entry in ClinVar:

NM_006206.6(PDGFRA):c.2404G>A (p.Val802Ile)

Gene: PDGFRA (platelet derived growth factor receptor alpha; plus strand). Cytogenetic location: 4q12.
Variant type: single nucleotide variant.
Coding change: c.2404G>A on transcript NM_006206.6 (MANE Select); coding-DNA position 2404, G replaced by A.
Protein change: p.Val802Ile; replaces valine 802 with isoleucine.
Molecular consequence: missense variant.
Genome position (GRCh38, 1-based): chr4:54,285,451, G>A. VCF-style: chr4-54285451-G-A. GRCh37 (hg19) VCF-style: chr4-55151618-G-A.
Other names: c.2479G>A, p.Val827Ile (NM_001347828.2); c.2404G>A, p.Val802Ile (NM_001347829.2); c.2443G>A, p.Val815Ile (NM_001347830.2); short protein forms V802I, V815I, V827I.
Identifiers: ClinVar variation 3930180 (VCV003930180.1).

ClinVar aggregate classification (germline): Uncertain significance (1 of 4 stars; one submission).

Conditions:
Hereditary cancer-predisposing syndrome. Also called: Tumor predisposition; Hereditary neoplastic syndrome; Hereditary Cancer Syndrome; Neoplastic Syndromes, Hereditary. Identifiers: Orphanet 140162, MedGen C0027672, MeSH D009386, MONDO:0015356.

Submission:

Ambry Genetics
Classification: Uncertain significance for Hereditary cancer-predisposing syndrome. Last evaluated: 2025-06-05. Review status: criteria provided, single submitter. Criteria: Ambry Variant Classification Scheme 2023. Collection method: clinical testing. Allele origin: germline.
Comment: The p.V802I variant (also known as c.2404G>A), located in coding exon 16 of the PDGFRA gene, results from a G to A substitution at nucleotide position 2404. The valine at codon 802 is replaced by isoleucine, an amino acid with highly similar properties. This amino acid position is highly conserved in available vertebrate species. In addition, the in silico prediction for this alteration is inconclusive. Based on the available evidence, the clinical significance of this variant remains unclear.